The following is an entry in ClinVar:

NM_004336.5(BUB1):c.2551A>G (p.Lys851Glu)

Gene: BUB1 (BUB1 mitotic checkpoint serine/threonine kinase; minus strand). Cytogenetic location: 2q13.
Variant type: single nucleotide variant.
Coding change: c.2551A>G on transcript NM_004336.5 (MANE Select); coding-DNA position 2551, A replaced by G.
Protein change: p.Lys851Glu; replaces lysine 851 with glutamic acid.
Molecular consequence: missense variant.
Genome position (GRCh38, 1-based): chr2:110,641,716, T>C on the plus strand (A>G on the coding strand, the complement: BUB1 is on the minus strand). VCF-style: chr2-110641716-T-C. GRCh37 (hg19) VCF-style: chr2-111399293-T-C.
Other names: c.2491A>G, p.Lys831Glu (NM_001278616.2); c.2551A>G, p.Lys851Glu (NM_001278617.2); short protein forms K831E, K851E.
Identifiers: ClinVar variation 1792953 (VCV001792953.3), dbSNP rs2467972124, ClinGen allele CA348090360.
Genomic context (GRCh38, chr2:110,641,716, plus strand): 5'-AGCTGTAGAGCTCTCCTACTAATACACTGCCATTCTGGAATAAGTGGGCAGAATAGAACT[T>C]CATAAACATGTGCTGCATAGATGGCTTTAGTCTTTCCATCAACTGGGTCCCAATGTAGAA-3'
Protein context (NP_004327.1, residues 841-861): LKPSMQHMFM[Lys851Glu]FYSAHLFQNG

ClinVar aggregate classification (germline): Uncertain significance (1 of 4 stars; one submission).

Allele frequency attached by ClinVar (database versions not stated): gnomAD exomes 0.00002.
gnomAD v4.1: 32 of 1,613,032 alleles (0.002%); highest among the groups gnomAD compares: Non-Finnish European, 0.0025%; no homozygotes.

Submission:

Ambry Genetics
Classification: Uncertain significance. Last evaluated: 2024-08-27. Review status: criteria provided, single submitter. Criteria: Ambry Variant Classification Scheme 2023. Collection method: clinical testing. Allele origin: germline.
Comment: The p.K851E variant (also known as c.2551A>G), located in coding exon 21 of the BUB1 gene, results from an A to G substitution at nucleotide position 2551. The lysine at codon 851 is replaced by glutamic acid, an amino acid with similar properties. This amino acid position is conserved. In addition, this alteration is predicted to be tolerated by in silico analysis. Since supporting evidence is limited at this time, the clinical significance of this alteration remains unclear.